The following is an entry in ClinVar:

ClinVar aggregate classification (germline): Uncertain significance (1 of 4 stars; one submission).

Submission:

Labcorp Genetics (formerly Invitae), Labcorp
Classification: Uncertain significance. Last evaluated: 2024-09-02. Review status: criteria provided, single submitter. Criteria: Invitae Variant Classification Sherloc (09022015). Collection method: clinical testing. Allele origin: germline.
Comment: This sequence change replaces histidine, which is basic and polar, with tyrosine, which is neutral and polar, at codon 578 of the TNNI3K protein (p.His578Tyr). This variant is not present in population databases (gnomAD no frequency). This variant has not been reported in the literature in individuals affected with TNNI3K-related conditions. Invitae Evidence Modeling of protein sequence and biophysical properties (such as structural, functional, and spatial information, amino acid conservation, physicochemical variation, residue mobility, and thermodynamic stability) indicates that this missense variant is expected to disrupt TNNI3K protein function with a positive predictive value of 80%. In summary, the available evidence is currently insufficient to determine the role of this variant in disease. Therefore, it has been classified as a Variant of Uncertain Significance.

NM_015978.3(TNNI3K):c.1732C>T (p.His578Tyr)

Genes: FPGT-TNNI3K (FPGT-TNNI3K readthrough; plus strand), TNNI3K (TNNI3 interacting kinase; plus strand). Cytogenetic location: 1p31.1.
Variant type: single nucleotide variant.
Coding change: c.1732C>T on transcript NM_015978.3 (MANE Select); coding-DNA position 1732, C replaced by T.
Protein change: p.His578Tyr; replaces histidine 578 with tyrosine.
Molecular consequence: missense variant.
Genome position (GRCh38, 1-based): chr1:74,370,352, C>T. VCF-style: chr1-74370352-C-T. GRCh37 (hg19) VCF-style: chr1-74836036-C-T.
Other names: c.2035C>T, p.His679Tyr (NM_001112808.3, NM_001199327.2); short protein forms H679Y, H578Y.
Identifiers: ClinVar variation 3702325 (VCV003702325.2).